The following is an entry in ClinVar:

ClinVar aggregate classification (germline): Uncertain significance (1 of 4 stars; one submission).

Allele frequency attached by ClinVar (database versions not stated): TOPMed below 0.00001; gnomAD 0.00001.
gnomAD v4.1: 2 of 1,613,680 alleles (0.00012%); highest among the groups gnomAD compares: Non-Finnish European, 0.00017%; no homozygotes.

Submission:

Labcorp Genetics (formerly Invitae), Labcorp
Classification: Uncertain significance. Last evaluated: 2024-08-12. Review status: criteria provided, single submitter. Criteria: Invitae Variant Classification Sherloc (09022015). Collection method: clinical testing. Allele origin: germline.
Comment: This sequence change replaces isoleucine, which is neutral and non-polar, with methionine, which is neutral and non-polar, at codon 769 of the MYO6 protein (p.Ile769Met). This variant is not present in population databases (gnomAD no frequency). This variant has not been reported in the literature in individuals affected with MYO6-related conditions. ClinVar contains an entry for this variant (Variation ID: 1996893). Advanced modeling of protein sequence and biophysical properties (such as structural, functional, and spatial information, amino acid conservation, physicochemical variation, residue mobility, and thermodynamic stability) performed at Invitae indicates that this missense variant is not expected to disrupt MYO6 protein function with a negative predictive value of 80%. In summary, the available evidence is currently insufficient to determine the role of this variant in disease. Therefore, it has been classified as a Variant of Uncertain Significance.

NM_004999.4(MYO6):c.2307C>G (p.Ile769Met)

Gene: MYO6 (myosin VI; plus strand). Cytogenetic location: 6q14.1.
Variant type: single nucleotide variant.
Coding change: c.2307C>G on transcript NM_004999.4 (MANE Select); coding-DNA position 2307, C replaced by G.
Protein change: p.Ile769Met; replaces isoleucine 769 with methionine.
Molecular consequence: missense variant. On other transcripts: non-coding transcript variant (1).
Genome position (GRCh38, 1-based): chr6:75,881,709, C>G. VCF-style: chr6-75881709-C-G. GRCh37 (hg19) VCF-style: chr6-76591426-C-G.
Other names: c.2307C>G, p.Ile769Met (NM_001300899.2, NM_001368136.1, NM_001368137.1 and 2 more transcripts); c.2292C>G, p.Ile764Met (NM_001368138.1); short protein forms I769M, I764M.
Identifiers: ClinVar variation 1996893 (VCV001996893.4), dbSNP rs1778042564, ClinGen allele CA364774006.
Genomic context (GRCh38, chr6:75,881,709, plus strand): 5'-TTATATTTTAATACTGATACTAAATTATTTCACTTCCTAGTTTGCAGAATTTGATCAGAT[C>G]ATGAAGTCTGACCCTGACCACTTAGCAGAGTTGGTTAAAAGAGTCAATCACTGGCTCACA-3'
Protein context (NP_004990.3, residues 759-779): RPGKFAEFDQ[Ile769Met]MKSDPDHLAE